The following is an entry in ClinVar:

ClinVar aggregate classification (germline): Benign/Likely benign. Review status: criteria provided, multiple submitters, no conflicts (2 of 4 stars). 5 submissions from 5 submitters: Benign (1); Likely benign (4). Last evaluated 2025-12-02.

Conditions:
Hereditary cancer-predisposing syndrome. Also called: Tumor predisposition; Hereditary neoplastic syndrome; Hereditary Cancer Syndrome; Neoplastic Syndromes, Hereditary. Identifiers: Orphanet 140162, MedGen C0027672, MeSH D009386, MONDO:0015356.
Familial adenomatous polyposis 1 (FAP1). Also called: FAMILIAL ADENOMATOUS POLYPOSIS 1, ATTENUATED; POLYPOSIS, ADENOMATOUS INTESTINAL. Identifiers: MedGen C2713442, MONDO:0021056, OMIM 175100. Disease mechanism: loss of function.

Submissions (5):

Labcorp Genetics (formerly Invitae), Labcorp
Classification: Likely benign for Familial adenomatous polyposis 1. Last evaluated: 2025-12-02. Review status: criteria provided, single submitter. Criteria: Invitae Variant Classification Sherloc (09022015). Collection method: clinical testing. Allele origin: germline.

Women's Health and Genetics/Laboratory Corporation of America, LabCorp
Classification: Likely benign. Last evaluated: 2025-07-09. Review status: criteria provided, single submitter. Criteria: LabCorp Variant Classification Summary - May 2015. Collection method: clinical testing. Allele origin: germline.

Myriad Genetics, Inc.
Classification: Benign for Familial adenomatous polyposis 1. Last evaluated: 2024-04-05. Review status: criteria provided, single submitter. Criteria: Myriad Autosomal Dominant, Autosomal Recessive and X-Linked Classification Criteria (2023). Collection method: clinical testing. Allele origin: unknown.
Comment: This variant is considered benign. This variant is a silent/synonymous amino acid change and it is not expected to impact splicing.

Ambry Genetics
Classification: Likely benign for Hereditary cancer-predisposing syndrome. Last evaluated: 2023-08-24. Review status: criteria provided, single submitter. Criteria: Ambry Variant Classification Scheme 2023. Collection method: clinical testing. Allele origin: germline.

Color Diagnostics, LLC DBA Color Health
Classification: Likely benign for Hereditary cancer-predisposing syndrome. Last evaluated: 2021-01-06. Review status: criteria provided, single submitter. Criteria: ACMG Guidelines, 2015. Collection method: clinical testing. Allele origin: germline.

NM_000038.6(APC):c.6696T>C (p.His2232=)

Gene: APC (APC regulator of Wnt signaling pathway; plus strand). Cytogenetic location: 5q22.2.
Variant type: single nucleotide variant.
Coding change: c.6696T>C on transcript NM_000038.6 (MANE Select); coding-DNA position 6696, T replaced by C.
Protein change: p.His2232=; no amino-acid change (histidine 2232 retained).
Molecular consequence: synonymous variant.
Genome position (GRCh38, 1-based): chr5:112,842,290, T>C. VCF-style: chr5-112842290-T-C. GRCh37 (hg19) VCF-style: chr5-112177987-T-C.
Other names: c.6696T>C, p.His2232= (NM_001127510.3, NM_001354895.2); c.6642T>C, p.His2214= (NM_001127511.3); c.6750T>C, p.His2250= (NM_001354896.2); c.6726T>C, p.His2242= (NM_001354897.2); c.6621T>C, p.His2207= (NM_001354898.2); c.6612T>C, p.His2204= (NM_001354899.2); c.6573T>C, p.His2191= (NM_001354900.2); c.6519T>C, p.His2173= (NM_001354901.2); and 5 more.
Identifiers: ClinVar variation 1171607 (VCV001171607.11), dbSNP rs903180919, ClinGen allele CA125167804.